The following is an entry in ClinVar:

ClinVar aggregate classification (germline): Uncertain significance (1 of 4 stars; one submission).

Conditions:
Spastic paraplegia. Identifiers: MedGen C0037772, HP:0001258.

Submission:

Labcorp Genetics (formerly Invitae), Labcorp
Classification: Uncertain significance for Spastic paraplegia. Last evaluated: 2023-08-27. Review status: criteria provided, single submitter. Criteria: Invitae Variant Classification Sherloc (09022015). Collection method: clinical testing. Allele origin: germline.
Comment: This variant is not present in population databases (gnomAD no frequency). In summary, the available evidence is currently insufficient to determine the role of this variant in disease. Therefore, it has been classified as a Variant of Uncertain Significance. Advanced modeling of protein sequence and biophysical properties (such as structural, functional, and spatial information, amino acid conservation, physicochemical variation, residue mobility, and thermodynamic stability) has been performed at Invitae for this missense variant, however the output from this modeling did not meet the statistical confidence thresholds required to predict the impact of this variant on KIF5A protein function. This variant has not been reported in the literature in individuals affected with KIF5A-related conditions. This sequence change replaces serine, which is neutral and polar, with glycine, which is neutral and non-polar, at codon 945 of the KIF5A protein (p.Ser945Gly).

NM_004984.4(KIF5A):c.2833A>G (p.Ser945Gly)

Gene: KIF5A (kinesin family member 5A; plus strand). Cytogenetic location: 12q13.3.
Variant type: single nucleotide variant.
Coding change: c.2833A>G on transcript NM_004984.4 (MANE Select); coding-DNA position 2833, A replaced by G.
Protein change: p.Ser945Gly; replaces serine 945 with glycine.
Molecular consequence: missense variant.
Genome position (GRCh38, 1-based): chr12:57,581,492, A>G. VCF-style: chr12-57581492-A-G. GRCh37 (hg19) VCF-style: chr12-57975275-A-G.
Other names: c.2566A>G, p.Ser856Gly (NM_001354705.2); short protein forms S856G, S945G.
Identifiers: ClinVar variation 2743420 (VCV002743420.3), dbSNP rs2540515571, ClinGen allele CA385515858.